The following is an entry in ClinVar:

NM_000553.6(WRN):c.2009C>G (p.Ala670Gly)

Gene: WRN (WRN RecQ like helicase; plus strand). Cytogenetic location: 8p12.
Variant type: single nucleotide variant.
Coding change: c.2009C>G on transcript NM_000553.6 (MANE Select); coding-DNA position 2009, C replaced by G.
Protein change: p.Ala670Gly; replaces alanine 670 with glycine.
Molecular consequence: missense variant.
Genome position (GRCh38, 1-based): chr8:31,100,876, C>G. VCF-style: chr8-31100876-C-G. GRCh37 (hg19) VCF-style: chr8-30958392-C-G.
Other names: short protein forms A670G.
Identifiers: ClinVar variation 2745564 (VCV002745564.3), dbSNP rs1272066150, ClinGen allele CA370908337.
Genomic context (GRCh38, chr8:31,100,876, plus strand): 5'-TCTTTTCCTTTATGTGTTTTTCTTTTTTTACAGGTATCACGCTCATTGCTGTGGATGAGG[C>G]TCACTGTATTTCTGAGTGGGGGCATGATTTTAGGGATTCATTCAGGAAGTTGGGCTCCCT-3'
Protein context (NP_000544.2, residues 660-680): IGITLIAVDE[Ala670Gly]HCISEWGHDF

ClinVar aggregate classification (germline): Uncertain significance (1 of 4 stars; one submission).

Conditions:
Werner syndrome (WRN). Identifiers: Orphanet 902, MedGen C0043119, MONDO:0010196, OMIM 277700.

Submission:

Labcorp Genetics (formerly Invitae), Labcorp
Classification: Uncertain significance for Werner syndrome. Last evaluated: 2023-11-02. Review status: criteria provided, single submitter. Criteria: Invitae Variant Classification Sherloc (09022015). Collection method: clinical testing. Allele origin: germline.
Comment: This sequence change replaces alanine, which is neutral and non-polar, with glycine, which is neutral and non-polar, at codon 670 of the WRN protein (p.Ala670Gly). This variant is not present in population databases (gnomAD no frequency). This variant has not been reported in the literature in individuals affected with WRN-related conditions. An algorithm developed to predict the effect of missense changes on protein structure and function (PolyPhen-2) suggests that this variant is likely to be disruptive. In summary, the available evidence is currently insufficient to determine the role of this variant in disease. Therefore, it has been classified as a Variant of Uncertain Significance.